The following is an entry in ClinVar:

ClinVar aggregate classification (germline): Conflicting classifications of pathogenicity. Review status: criteria provided, conflicting classifications (1 of 4 stars). 3 submissions from 3 submitters: Uncertain significance (1); Likely benign (1). 1 of the submissions does not count toward it. Last evaluated 2026-01-12.

Conditions:
FARS2-related disorder. Also called: FARS2-related disorders; FARS2-related condition.
Combined oxidative phosphorylation defect type 14. Also called: Combined oxidative phosphorylation deficiency 14. Identifiers: Orphanet 319519, MedGen C4755312, MONDO:0013986, OMIM 614946.

Allele frequency attached by ClinVar (database versions not stated): gnomAD 0.00004; gnomAD exomes 0.00008 and 0.00042; 1000 Genomes Project 0.00020; TOPMed 0.00023; 1000 Genomes Project 30x 0.00031; ExAC 0.00041.

Submissions (3):

Labcorp Genetics (formerly Invitae), Labcorp
Classification: Likely benign for Combined oxidative phosphorylation defect type 14. Last evaluated: 2026-01-12. Review status: criteria provided, single submitter. Criteria: Invitae Variant Classification Sherloc (09022015). Collection method: clinical testing. Allele origin: germline.

Wong Mito Lab, Molecular and Human Genetics, Baylor College of Medicine
Classification: Uncertain significance for Combined oxidative phosphorylation deficiency 14. Last evaluated: 2018-06-13. Review status: criteria provided, single submitter. Criteria: ACMG Guidelines, 2015. Collection method: clinical testing. Allele origin: germline.

PreventionGenetics, part of Exact Sciences
Classification: Likely benign for FARS2-related condition. Last evaluated: 2022-03-13. Review status: no assertion criteria provided. Collection method: clinical testing. Allele origin: germline. Not counted in ClinVar's aggregate classification.
Comment: This variant is classified as likely benign based on ACMG/AMP sequence variant interpretation guidelines (Richards et al. 2015 PMID: 25741868, with internal and published modifications).

NM_006567.5(FARS2):c.676C>T (p.His226Tyr)

Gene: FARS2 (phenylalanyl-tRNA synthetase 2, mitochondrial; plus strand). Cytogenetic location: 6p25.1.
Variant type: single nucleotide variant.
Coding change: c.676C>T on transcript NM_006567.5 (MANE Select); coding-DNA position 676, C replaced by T.
Protein change: p.His226Tyr; replaces histidine 226 with tyrosine.
Molecular consequence: missense variant. On other transcripts: 5 prime UTR variant (2).
Genome position (GRCh38, 1-based): chr6:5,404,605, C>T. VCF-style: chr6-5404605-C-T. GRCh37 (hg19) VCF-style: chr6-5404838-C-T.
Other names: c.676C>T, p.His226Tyr (NM_001318872.2, NM_001374875.1, NM_001374876.1 and 5 more transcripts); c.-21C>T (NM_001375259.1, NM_001375260.1); short protein forms H226Y.
Identifiers: ClinVar variation 473314 (VCV000473314.15), dbSNP rs201991648, ClinGen allele CA3623711.